The following is an entry in ClinVar:

NM_001395159.1(UNC79):c.4291T>C (p.Tyr1431His)

Gene: UNC79 (unc-79 subunit of NALCN channel complex; plus strand). Cytogenetic location: 14q32.12.
Variant type: single nucleotide variant.
Coding change: c.4291T>C on transcript NM_001395159.1 (MANE Select); coding-DNA position 4291, T replaced by C.
Protein change: p.Tyr1431His; replaces tyrosine 1431 with histidine.
Molecular consequence: missense variant.
Genome position (GRCh38, 1-based): chr14:93,618,192, T>C. VCF-style: chr14-93618192-T-C. GRCh37 (hg19) VCF-style: chr14-94084538-T-C.
Other names: c.4225T>C, p.Tyr1409His (NM_001346218.2); c.3694T>C, p.Tyr1232His (NM_020818.5); short protein forms Y1232H, Y1409H, Y1431H.
Identifiers: ClinVar variation 4085610 (VCV004085610.8).
Genomic context (GRCh38, chr14:93,618,192, plus strand): 5'-TGGAAAAGCTTACCCTCTAAAATAACCATTTATCTTTTTCTCTCTCGTTTCATTGGGCAG[T>C]ATCCATACCGAGACTGTGATATCAGCAAGATCCTGCTGCATCTGATTCACATAACAGTCA-3'
Protein context (NP_001382088.1, residues 1421-1441): LKALLVILYK[Tyr1431His]PYRDCDISKI

ClinVar aggregate classification (germline): Uncertain significance (1 of 4 stars; one submission).

Submission:

CeGaT Center for Human Genetics Tuebingen
Classification: Uncertain significance. Last evaluated: 2025-07-01. Review status: criteria provided, single submitter. Criteria: CeGaT Center For Human Genetics Tuebingen Variant Classification Criteria Version 2. Collection method: clinical testing. Allele origin: germline. Affected: yes. Observed: 1 variant allele.
Comment: UNC79: PM2